The following is an entry in ClinVar:

ClinVar aggregate classification (germline): Likely benign. Review status: criteria provided, multiple submitters, no conflicts (2 of 4 stars). 2 submissions from 2 submitters: Likely benign (2). Last evaluated 2026-09-01.

Allele frequency attached by ClinVar (database versions not stated): gnomAD exomes below 0.00001; TOPMed 0.00001.
gnomAD v4.1: 7 of 1,595,378 alleles (0.00044%); highest among the groups gnomAD compares: Middle Eastern, 0.033%; no homozygotes.

Submissions (2):

CeGaT Center for Human Genetics Tuebingen
Classification: Likely benign. Last evaluated: 2026-09-01. Review status: criteria provided, single submitter. Criteria: CeGaT Center For Human Genetics Tuebingen Variant Classification Criteria Version 2. Collection method: clinical testing. Allele origin: germline. Affected: yes. Observed: 1 variant allele.
Comment: MPDZ: BP4, BP7

Labcorp Genetics (formerly Invitae), Labcorp
Classification: Likely benign. Last evaluated: 2024-07-31. Review status: criteria provided, single submitter. Criteria: Invitae Variant Classification Sherloc (09022015). Collection method: clinical testing. Allele origin: germline.

NM_001378778.1(MPDZ):c.4029C>G (p.Thr1343=)

Gene: MPDZ (multiple PDZ domain crumbs cell polarity complex component; minus strand). Cytogenetic location: 9p23.
Variant type: single nucleotide variant.
Coding change: c.4029C>G on transcript NM_001378778.1 (MANE Select); coding-DNA position 4029, C replaced by G.
Protein change: p.Thr1343=; no amino-acid change (threonine 1343 retained).
Molecular consequence: synonymous variant.
Genome position (GRCh38, 1-based): chr9:13,138,128, G>C on the plus strand (C>G on the coding strand, the complement: MPDZ is on the minus strand). VCF-style: chr9-13138128-G-C. GRCh37 (hg19) VCF-style: chr9-13138127-G-C.
Other names: c.3930C>G, p.Thr1310= (NM_001261406.2, NM_001261407.2, NM_001375416.1 and 3 more transcripts); c.4029C>G, p.Thr1343= (NM_001330637.2, NM_001375413.1, NM_003829.5); c.3819C>G, p.Thr1273= (NM_001375420.1, NM_001375421.1, NM_001375422.1 and 4 more transcripts); c.3621C>G, p.Thr1207= (NM_001375427.1).
Identifiers: ClinVar variation 1901928 (VCV001901928.6), dbSNP rs1006506060, ClinGen allele CA189298686.